The following is an entry in ClinVar:

ClinVar aggregate classification (germline): Uncertain significance. Review status: criteria provided, multiple submitters, no conflicts (2 of 4 stars). 4 submissions from 4 submitters: Uncertain significance (3). 1 of the submissions does not count toward it. Last evaluated 2026-05-22.

Conditions:
Optic atrophy. Identifiers: MedGen C0029124, MONDO:0003608, HP:0000648.
Inborn genetic diseases. Identifiers: MedGen C0950123, MeSH D030342.
EFEMP1-related disorder. Also called: EFEMP1-related condition.

Allele frequency attached by ClinVar (database versions not stated): gnomAD exomes 0.00001 and 0.00004; ExAC 0.00005; ESP Exome Variant Server 0.00008; TOPMed 0.00009; gnomAD 0.00010; 1000 Genomes Project 30x 0.00016; 1000 Genomes Project 0.00020.
gnomAD v4.1: 40 of 1,613,628 alleles (0.0025%); highest among the groups gnomAD compares: African/African-American, 0.027%; no homozygotes.

Submissions (4):

PreventionGenetics, part of Exact Sciences
Classification: Uncertain significance for EFEMP1-related condition. Last evaluated: 2026-05-22. Review status: criteria provided, single submitter. Criteria: ACMG Guidelines, 2015. Collection method: clinical testing. Allele origin: germline.
Comment: The EFEMP1 c.637G>A variant is predicted to result in the amino acid substitution p.Val213Ile. To our knowledge, this variant has not been reported in the literature. This variant is present in 0.032% of alleles in individuals of African descent in gnomAD. At this time, the clinical significance of this variant is uncertain due to the absence of conclusive functional and genetic evidence.

Labcorp Genetics (formerly Invitae), Labcorp
Classification: Uncertain significance. Last evaluated: 2024-05-25. Review status: criteria provided, single submitter. Criteria: Invitae Variant Classification Sherloc (09022015). Collection method: clinical testing. Allele origin: germline.
Comment: This sequence change replaces valine, which is neutral and non-polar, with isoleucine, which is neutral and non-polar, at codon 213 of the EFEMP1 protein (p.Val213Ile). This variant is present in population databases (rs369629631, gnomAD 0.03%). This variant has not been reported in the literature in individuals affected with EFEMP1-related conditions. ClinVar contains an entry for this variant (Variation ID: 1361910). Advanced modeling of protein sequence and biophysical properties (such as structural, functional, and spatial information, amino acid conservation, physicochemical variation, residue mobility, and thermodynamic stability) performed at Invitae indicates that this missense variant is not expected to disrupt EFEMP1 protein function with a negative predictive value of 80%. In summary, the available evidence is currently insufficient to determine the role of this variant in disease. Therefore, it has been classified as a Variant of Uncertain Significance.

Ambry Genetics
Classification: Uncertain significance for Inborn genetic diseases. Last evaluated: 2024-02-13. Review status: criteria provided, single submitter. Criteria: Ambry Variant Classification Scheme 2023. Collection method: clinical testing. Allele origin: germline.

Institute of Human Genetics, Univ. Regensburg, Univ. Regensburg
Classification: Uncertain significance for Optic atrophy. Last evaluated: 2023-01-01. Review status: no assertion criteria provided. Criteria: ACMG Guidelines, 2015. Collection method: clinical testing. Allele origin: germline. Affected: yes. Not counted in ClinVar's aggregate classification.

NM_001039348.3(EFEMP1):c.637G>A (p.Val213Ile)

Gene: EFEMP1 (EGF-like fibulin extracellular matrix protein 1; minus strand). Cytogenetic location: 2p16.1.
Variant type: single nucleotide variant.
Coding change: c.637G>A on transcript NM_001039348.3 (MANE Select); coding-DNA position 637, G replaced by A.
Protein change: p.Val213Ile; replaces valine 213 with isoleucine.
Molecular consequence: missense variant.
Genome position (GRCh38, 1-based): chr2:55,881,615, C>T on the plus strand (G>A on the coding strand, the complement: EFEMP1 is on the minus strand). VCF-style: chr2-55881615-C-T. GRCh37 (hg19) VCF-style: chr2-56108750-C-T.
Other names: c.637G>A, p.Val213Ile (NM_001039349.3); c.637G>A (NM_001039348.2); short protein forms V213I.
Identifiers: ClinVar variation 1361910 (VCV001361910.11), dbSNP rs369629631, ClinGen allele CA1668884.